The following is an entry in ClinVar:

NM_000051.4(ATM):c.6545T>C (p.Leu2182Pro)

Genes: ATM (ATM serine/threonine kinase; plus strand), C11orf65 (chromosome 11 open reading frame 65; minus strand). Cytogenetic location: 11q22.3.
Variant type: single nucleotide variant.
Coding change: c.6545T>C on transcript NM_000051.4 (MANE Select); coding-DNA position 6545, T replaced by C.
Protein change: p.Leu2182Pro; replaces leucine 2182 with proline.
Molecular consequence: missense variant. On other transcripts: intron variant (2).
Genome position (GRCh38, 1-based): chr11:108,321,393, T>C. VCF-style: chr11-108321393-T-C. GRCh37 (hg19) VCF-style: chr11-108192120-T-C.
Other names: c.6545T>C, p.Leu2182Pro (NM_001351834.2); c.641-12322A>G (NM_001330368.2); c.*39-12322A>G (NM_001351110.2); short protein forms L2182P.
Identifiers: ClinVar variation 489576 (VCV000489576.6), dbSNP rs1555117233, ClinGen allele CA382554314.
Genomic context (GRCh38, chr11:108,321,393, plus strand): 5'-GCCTTGAGTCTGTGTATTCGCTCTATCCCACACTTAGCAGGTTGCAGGCCATTGGAGAGC[T>C]GGAAAGCATTGGGGAGCTTTTCTCAAGGTATGTAATTCGTATGACTTTGTTATCCTAAAG-3'
Protein context (NP_000042.3, residues 2172-2192): TLSRLQAIGE[Leu2182Pro]ESIGELFSRS

ClinVar aggregate classification (germline): Uncertain significance (1 of 4 stars; one submission).

Conditions:
Hereditary cancer-predisposing syndrome. Also called: Neoplastic Syndromes, Hereditary; Hereditary Cancer Syndrome; Tumor predisposition; Hereditary neoplastic syndrome. Identifiers: Orphanet 140162, MedGen C0027672, MeSH D009386, MONDO:0015356.

Submission:

Color Diagnostics, LLC DBA Color Health
Classification: Uncertain significance for Hereditary cancer-predisposing syndrome. Last evaluated: 2023-12-05. Review status: criteria provided, single submitter. Criteria: ACMG Guidelines, 2015. Collection method: clinical testing. Allele origin: germline.
Comment: This missense variant replaces leucine with proline at codon 2182 of the ATM protein. Computational prediction suggests that this variant may have deleterious impact on protein structure and function (internally defined REVEL score threshold >= 0.7, PMID: 27666373). To our knowledge, functional studies have not been reported for this variant. This variant has not been reported in individuals affected with ATM-related disorders in the literature. This variant has not been identified in the general population by the Genome Aggregation Database (gnomAD). The available evidence is insufficient to determine the role of this variant in disease conclusively. Therefore, this variant is classified as a Variant of Uncertain Significance.